The following is an entry in ClinVar:

NM_000038.6(APC):c.4141C>G (p.Pro1381Ala)

Gene: APC (APC regulator of Wnt signaling pathway; plus strand). Cytogenetic location: 5q22.2.
Variant type: single nucleotide variant.
Coding change: c.4141C>G on transcript NM_000038.6 (MANE Select); coding-DNA position 4141, C replaced by G.
Protein change: p.Pro1381Ala; replaces proline 1381 with alanine.
Molecular consequence: missense variant.
Genome position (GRCh38, 1-based): chr5:112,839,735, C>G. VCF-style: chr5-112839735-C-G. GRCh37 (hg19) VCF-style: chr5-112175432-C-G.
Other names: c.4141C>G, p.Pro1381Ala (NM_001127510.3, NM_001354895.2); c.4087C>G, p.Pro1363Ala (NM_001127511.3); c.4195C>G, p.Pro1399Ala (NM_001354896.2); c.4171C>G, p.Pro1391Ala (NM_001354897.2); c.4066C>G, p.Pro1356Ala (NM_001354898.2); c.4057C>G, p.Pro1353Ala (NM_001354899.2); c.4018C>G, p.Pro1340Ala (NM_001354900.2); c.3964C>G, p.Pro1322Ala (NM_001354901.2); and 5 more; short protein forms P1363A, P1280A, P1340A, P1399A, P1098A, P1221A, P1255A, P1290A.
Identifiers: ClinVar variation 648411 (VCV000648411.10), dbSNP rs730881250, ClinGen allele CA16030401.

ClinVar aggregate classification (germline): Uncertain significance (1 of 4 stars; one submission).

Conditions:
Familial adenomatous polyposis 1 (FAP1). Also called: FAMILIAL ADENOMATOUS POLYPOSIS 1, ATTENUATED; POLYPOSIS, ADENOMATOUS INTESTINAL. Identifiers: MedGen C2713442, MONDO:0021056, OMIM 175100. Disease mechanism: loss of function.

Submission:

Labcorp Genetics (formerly Invitae), Labcorp
Classification: Uncertain significance for Familial adenomatous polyposis 1. Last evaluated: 2022-06-01. Review status: criteria provided, single submitter. Criteria: Invitae Variant Classification Sherloc (09022015). Collection method: clinical testing. Allele origin: germline.
Comment: This variant is not present in population databases (gnomAD no frequency). This sequence change replaces proline, which is neutral and non-polar, with alanine, which is neutral and non-polar, at codon 1381 of the APC protein (p.Pro1381Ala). This variant has not been reported in the literature in individuals affected with APC-related conditions. In summary, the available evidence is currently insufficient to determine the role of this variant in disease. Therefore, it has been classified as a Variant of Uncertain Significance. Algorithms developed to predict the effect of missense changes on protein structure and function (SIFT, PolyPhen-2, Align-GVGD) all suggest that this variant is likely to be disruptive. ClinVar contains an entry for this variant (Variation ID: 648411).